The following is an entry in ClinVar:

NM_020320.5(RARS2):c.37-12_44del

Gene: RARS2 (arginyl-tRNA synthetase 2, mitochondrial; minus strand). Cytogenetic location: 6q15.
Variant type: Deletion.
Coding change: c.37-12_44del on transcript NM_020320.5 (MANE Select); 12 bases into the intron before coding-DNA position 37 through coding-DNA position 44, 20 bases deleted (TTTGATTTTTAGCTTTCCAG).
Molecular consequence: splice acceptor variant. On other transcripts: intron variant (1).
Genome position (GRCh38, 1-based): chr6:87,569,583-87,569,602, CTGGAAAGCTAAAAATCAAA deleted on the plus strand (TTTGATTTTTAGCTTTCCAG on the coding strand, the reverse complement: RARS2 is on the minus strand). VCF-style (leftmost placement, unchanged base first): chr6-87569582-TCTGGAAAGCTAAAAATCAAA-T. GRCh37 (hg19) VCF-style: chr6-88279300-TCTGGAAAGCTAAAAATCAAA-T.
Other names: c.37-12_44del (NM_001350505.2); c.-359-5370_-359-5351del (NM_001350509.2); c.-433-12_-426del (NM_001318785.2); c.-489-12_-482del (NM_001350506.2, NM_001350510.2, NM_001350507.2); c.-651-12_-644del (NM_001350508.2); c.-608-12_-601del (NM_001350511.2).
Identifiers: ClinVar variation 2771362 (VCV002771362.3), dbSNP rs1382701569, ClinGen allele CA829282589.

ClinVar aggregate classification (germline): Likely pathogenic (1 of 4 stars; one submission).

Allele frequency attached by ClinVar (database versions not stated): TOPMed below 0.00001.

Submission:

Labcorp Genetics (formerly Invitae), Labcorp
Classification: Likely pathogenic. Last evaluated: 2023-10-23. Review status: criteria provided, single submitter. Criteria: Invitae Variant Classification Sherloc (09022015). Collection method: clinical testing. Allele origin: germline.
Comment: This variant results in the deletion of part of exon 2 (c.37-12_44del) of the RARS2 gene. It is expected to disrupt RNA splicing. Variants that disrupt the donor or acceptor splice site typically lead to a loss of protein function (PMID: 16199547), and loss-of-function variants in RARS2 are known to be pathogenic (PMID: 17847012, 22569581, 26083569). This variant is not present in population databases (gnomAD no frequency). This variant has not been reported in the literature in individuals affected with RARS2-related conditions. In summary, the currently available evidence indicates that the variant is pathogenic, but additional data are needed to prove that conclusively. Therefore, this variant has been classified as Likely Pathogenic.

Literature cited by the submitters: PubMed 16199547; PubMed 17847012; PubMed 22569581; PubMed 26083569.